The following is an entry in ClinVar:

NM_004821.3(HAND1):c.626G>A (p.Trp209Ter)

Gene: HAND1 (heart and neural crest derivatives expressed 1; minus strand). Cytogenetic location: 5q33.2.
Variant type: single nucleotide variant.
Coding change: c.626G>A on transcript NM_004821.3 (MANE Select); coding-DNA position 626, G replaced by A.
Protein change: p.Trp209Ter; replaces tryptophan 209 with a stop codon.
Molecular consequence: nonsense.
Genome position (GRCh38, 1-based): chr5:154,475,828, C>T on the plus strand (G>A on the coding strand, the complement: HAND1 is on the minus strand). VCF-style: chr5-154475828-C-T. GRCh37 (hg19) VCF-style: chr5-153855388-C-T.
Other names: short protein forms W209*.
Identifiers: ClinVar variation 4723406 (VCV004723406.1).

ClinVar aggregate classification (germline): Uncertain significance (1 of 4 stars; one submission).

Conditions:
Hypoplastic left heart syndrome. Also called: Hypoplastic left heart; Hypoplastic left ventricle. Identifiers: Orphanet 2248, MedGen C0152101, MONDO:0004933, HP:0004383.

Submission:

Labcorp Genetics (formerly Invitae), Labcorp
Classification: Uncertain significance for Hypoplastic left heart syndrome. Last evaluated: 2025-04-02. Review status: criteria provided, single submitter. Criteria: Invitae Variant Classification Sherloc (09022015). Collection method: clinical testing. Allele origin: germline.
Comment: This sequence change creates a premature translational stop signal (p.Trp209*) in the HAND1 gene. While this is not anticipated to result in nonsense mediated decay, it is expected to disrupt the last 7 amino acid(s) of the HAND1 protein. This variant is not present in population databases (gnomAD no frequency). This variant has not been reported in the literature in individuals affected with HAND1-related conditions. In summary, the available evidence is currently insufficient to determine the role of this variant in disease. Therefore, it has been classified as a Variant of Uncertain Significance.